The following is an entry in ClinVar:

ClinVar aggregate classification (germline): Likely benign. Review status: criteria provided, multiple submitters, no conflicts (2 of 4 stars). 3 submissions from 3 submitters: Likely benign (3). Last evaluated 2024-01-03.

Conditions:
Hereditary pheochromocytoma and paraganglioma. Also called: Hereditary paragangliomas and pheochromocytomas; Hereditary pheochromocytoma-paraganglioma; Hereditary Paraganglioma-Pheochromocytoma Syndromes. Identifiers: Orphanet 29072, MedGen C4274332, MONDO:0017366.
Hereditary cancer-predisposing syndrome. Also called: Tumor predisposition; Neoplastic Syndromes, Hereditary; Hereditary Cancer Syndrome; Hereditary neoplastic syndrome. Identifiers: Orphanet 140162, MedGen C0027672, MeSH D009386, MONDO:0015356.

Allele frequency attached by ClinVar (database versions not stated): gnomAD exomes below 0.00001.
gnomAD v4.1: 2 of 1,614,198 alleles (0.00012%); highest among the groups gnomAD compares: African/African-American, 0.0027%; no homozygotes.

Submissions (3):

All of Us Research Program, National Institutes of Health
Classification: Likely benign for Hereditary pheochromocytoma and paraganglioma. Last evaluated: 2024-01-03. Review status: criteria provided, single submitter. Criteria: ACMG Guidelines, 2015. Collection method: clinical testing. Allele origin: germline. Inheritance: Autosomal dominant inheritance. Observed: 2 variant alleles, 2 heterozygotes.
Comment: This study involves interpretation of variants in research participants for the purpose of population health screening. Participant phenotype was not available at the time of variant classification. Additional details can be found in publication PMID: 35346344, PMCID: PMC8962531

Ambry Genetics
Classification: Likely benign for Hereditary cancer-predisposing syndrome. Last evaluated: 2023-07-27. Review status: criteria provided, single submitter. Criteria: Ambry Variant Classification Scheme 2023. Collection method: clinical testing. Allele origin: germline.

Labcorp Genetics (formerly Invitae), Labcorp
Classification: Likely benign for Hereditary pheochromocytoma and paraganglioma. Last evaluated: 2022-03-07. Review status: criteria provided, single submitter. Criteria: Invitae Variant Classification Sherloc (09022015). Collection method: clinical testing. Allele origin: germline.

NM_017841.4(SDHAF2):c.375T>C (p.Ala125=)

Gene: SDHAF2 (succinate dehydrogenase complex assembly factor 2; plus strand). Cytogenetic location: 11q12.2.
Variant type: single nucleotide variant.
Coding change: c.375T>C on transcript NM_017841.4 (MANE Select); coding-DNA position 375, T replaced by C.
Protein change: p.Ala125=; no amino-acid change (alanine 125 retained).
Molecular consequence: synonymous variant.
Genome position (GRCh38, 1-based): chr11:61,445,945, T>C. VCF-style: chr11-61445945-T-C. GRCh37 (hg19) VCF-style: chr11-61213417-T-C.
Other names: c.375T>C (NM_017841.2).
Identifiers: ClinVar variation 1126964 (VCV001126964.11), dbSNP rs1233830025, ClinGen allele CA380685227.
Genomic context (GRCh38, chr11:61,445,945, plus strand): 5'-TACCTGAGCATTGACTGACTATGGCATAATTTTTTCTGCCCACTCTTCTCTTGCAGAAGC[T>C]AAACCAGCCCCAGAAATATTTGAAAATGAAGTCATGGCCCTGCTGAGAGACTTTGCTAAA-3'
Protein context (NP_060311.1, residues 115-135): DWDIYYWATE[Ala125=]KPAPEIFENE